The following is an entry in ClinVar:

ClinVar aggregate classification (germline): Uncertain significance. Review status: criteria provided, multiple submitters, no conflicts (2 of 4 stars). 2 submissions from 2 submitters: Uncertain significance (2). Last evaluated 2022-08-16.

Conditions:
Nephronophthisis 3 (NPHP3). Also called: Adolescent nephronophthisis. Identifiers: Orphanet 655, MedGen C1858392, MONDO:0011456, OMIM 604387.
Renal-hepatic-pancreatic dysplasia 1 (RHPD1). Identifiers: OMIM 208540, MedGen C3715199, MONDO:0008833.
NPHP3-related Meckel-like syndrome. Also called: GOLDSTON SYNDROME; Meckel syndrome type 7. Identifiers: Orphanet 3032, MedGen C2673885, MONDO:0009966, OMIM 267010.
Nephronophthisis. Also called: Juvenile Nephronophthisis. Identifiers: Orphanet 655, MedGen C0687120, MONDO:0019005, HP:0000090.

Allele frequency attached by ClinVar (database versions not stated): ExAC 0.00001; TOPMed 0.00001.
gnomAD v4.1: 23 of 1,377,312 alleles (0.0017%); highest among the groups gnomAD compares: Non-Finnish European, 0.0024%; no homozygotes.

Submissions (2):

Labcorp Genetics (formerly Invitae), Labcorp
Classification: Uncertain significance for Nephronophthisis. Last evaluated: 2022-08-16. Review status: criteria provided, single submitter. Criteria: Invitae Variant Classification Sherloc (09022015). Collection method: clinical testing. Allele origin: germline.
Comment: This sequence change replaces alanine, which is neutral and non-polar, with glycine, which is neutral and non-polar, at codon 1046 of the NPHP3 protein (p.Ala1046Gly). This variant is present in population databases (rs756790389, gnomAD 0.003%). This variant has not been reported in the literature in individuals affected with NPHP3-related conditions. ClinVar contains an entry for this variant (Variation ID: 1004075). Algorithms developed to predict the effect of missense changes on protein structure and function (SIFT, PolyPhen-2, Align-GVGD) all suggest that this variant is likely to be disruptive. Algorithms developed to predict the effect of sequence changes on RNA splicing suggest that this variant may create or strengthen a splice site. In summary, the available evidence is currently insufficient to determine the role of this variant in disease. Therefore, it has been classified as a Variant of Uncertain Significance.

Fulgent Genetics
Classification: Uncertain significance for Renal-hepatic-pancreatic dysplasia 1; NPHP3-related Meckel-like syndrome; Nephronophthisis 3. Last evaluated: 2022-01-10. Review status: criteria provided, single submitter. Criteria: ACMG Guidelines, 2015. Collection method: clinical testing. Allele origin: unknown.

NM_153240.5(NPHP3):c.3137C>G (p.Ala1046Gly)

Genes: NPHP3 (nephrocystin 3; minus strand), NPHP3-ACAD11 (NPHP3-ACAD11 readthrough (NMD candidate); minus strand). Cytogenetic location: 3q22.1.
Variant type: single nucleotide variant.
Coding change: c.3137C>G on transcript NM_153240.5 (MANE Select); coding-DNA position 3137, C replaced by G.
Protein change: p.Ala1046Gly; replaces alanine 1046 with glycine.
Molecular consequence: missense variant. On other transcripts: non-coding transcript variant (1).
Genome position (GRCh38, 1-based): chr3:132,687,215, G>C on the plus strand (C>G on the coding strand, the complement: NPHP3 is on the minus strand). VCF-style: chr3-132687215-G-C. GRCh37 (hg19) VCF-style: chr3-132406059-G-C.
Other names: short protein forms A1046G.
Identifiers: ClinVar variation 1004075 (VCV001004075.5), dbSNP rs756790389, ClinGen allele CA2621822.